The following is an entry in ClinVar:

ClinVar aggregate classification (germline): Benign/Likely benign. Review status: criteria provided, multiple submitters, no conflicts (2 of 4 stars). 4 submissions from 4 submitters: Benign (1); Likely benign (2). 1 of the submissions does not count toward it. Last evaluated 2025-11-22.

Conditions:
Combined immunodeficiency due to CTPS1 deficiency. Also called: Immunodeficiency 24; Severe combined immunodeficiency due to CTPS1 deficiency. Identifiers: Orphanet 420573, MedGen C4014617, MONDO:0014391, OMIM 615897.
CTPS1-related disorder. Also called: CTPS1-related condition.

Submissions (4):

Labcorp Genetics (formerly Invitae), Labcorp
Classification: Benign for Combined immunodeficiency due to CTPS1 deficiency. Last evaluated: 2025-11-22. Review status: criteria provided, single submitter. Criteria: Invitae Variant Classification Sherloc (09022015). Collection method: clinical testing. Allele origin: germline.

Women's Health and Genetics/Laboratory Corporation of America, LabCorp
Classification: Likely benign. Last evaluated: 2025-06-16. Review status: criteria provided, single submitter. Criteria: LabCorp Variant Classification Summary - May 2015. Collection method: clinical testing. Allele origin: germline.
Comment: Variant summary: CTPS1 c.1190-10delC alters a non-conserved nucleotide located at a position not widely known to affect splicing. Consensus agreement among computation tools predict no significant impact on normal splicing. However, these predictions have yet to be confirmed by functional studies. The frequency data for this variant in gnomAD is considered unreliable, as metrics indicate poor data quality at this position. To our knowledge, no occurrence of c.1190-10delC in individuals affected with Severe Combined Immunodeficiency Due To CTPS1 Deficiency and no experimental evidence demonstrating its impact on protein function have been reported. ClinVar contains an entry for this variant (Variation ID: 2886527). Based on the evidence outlined above, the variant was classified as likely benign.

Blueprint Genetics
Classification: Likely benign. Last evaluated: 2024-11-11. Review status: criteria provided, single submitter. Criteria: ACMG Guidelines, 2015. Collection method: clinical testing. Allele origin: germline.

PreventionGenetics, part of Exact Sciences
Classification: Likely benign for CTPS1-related condition. Last evaluated: 2019-02-26. Review status: no assertion criteria provided. Collection method: clinical testing. Allele origin: germline. Not counted in ClinVar's aggregate classification.
Comment: This variant is classified as likely benign based on ACMG/AMP sequence variant interpretation guidelines (Richards et al. 2015 PMID: 25741868, with internal and published modifications).

NM_001905.4(CTPS1):c.1190-10del

Gene: CTPS1 (CTP synthase 1; plus strand). Cytogenetic location: 1p34.2.
Variant type: Deletion.
Coding change: c.1190-10del on transcript NM_001905.4 (MANE Select); 10 bases into the intron before coding-DNA position 1190, one base deleted (C; older notation c.1190-10delC).
Molecular consequence: intron variant.
Genome position (GRCh38, 1-based): chr1:41,003,104, C deleted; the last of 6 consecutive C bases (chr1:41,003,099-41,003,104); deleting any one gives the same sequence. VCF-style (leftmost placement, unchanged base first): chr1-41003098-TC-T. GRCh37 (hg19) VCF-style: chr1-41468770-TC-T.
Other names: c.722-10del (NM_001301237.2); c.1190-10delC (NM_001905.4).
Identifiers: ClinVar variation 2886527 (VCV002886527.7), dbSNP rs770131083, ClinGen allele CA795453.
Genomic context (GRCh38, chr1:41,003,098, plus strand): 5'-ATTGCAGAGGCTGCTGGGAAAAGTAGGAGCTGCCTTTTCAATGGAGTTTTGTTTGTTTTT[TC>T]CCCCCGACTGGAAGGCGTGTGCTTAGGGATGCAGTTGGCAGTGGTTGAATTCTCAAGAAA-3'